The following is an entry in ClinVar:

ClinVar aggregate classification (germline): Uncertain significance. Review status: criteria provided, multiple submitters, no conflicts (2 of 4 stars). 2 submissions from 2 submitters: Uncertain significance (2). Last evaluated 2023-11-03.

Conditions:
Inborn genetic diseases. Identifiers: MedGen C0950123, MeSH D030342.
Christianson syndrome (MRXSCH). Also called: X-linked mental retardation, syndromic, Christianson type; INTELLECTUAL DEVELOPMENTAL DISORDER, X-LINKED, SYNDROMIC, CHRISTIANSON TYPE; SLC9A6-Related Syndromic Mental Retardation. Identifiers: Orphanet 85278, MedGen C2678194, MONDO:0010278, OMIM 300243.

Allele frequency attached by ClinVar (database versions not stated): gnomAD exomes below 0.00001; TOPMed below 0.00001; gnomAD 0.00002.
gnomAD v4.1: 3 of 1,207,951 alleles (0.00025%); highest among the groups gnomAD compares: Admixed American, 0.0044%; no homozygotes.

Submissions (2):

Ambry Genetics
Classification: Uncertain significance for Inborn genetic diseases. Last evaluated: 2023-11-03. Review status: criteria provided, single submitter. Criteria: Ambry Variant Classification Scheme 2023. Collection method: clinical testing. Allele origin: germline.

Labcorp Genetics (formerly Invitae), Labcorp
Classification: Uncertain significance for Christianson syndrome. Last evaluated: 2022-07-19. Review status: criteria provided, single submitter. Criteria: Invitae Variant Classification Sherloc (09022015). Collection method: clinical testing. Allele origin: germline.
Comment: In summary, the available evidence is currently insufficient to determine the role of this variant in disease. Therefore, it has been classified as a Variant of Uncertain Significance. Algorithms developed to predict the effect of missense changes on protein structure and function (SIFT, PolyPhen-2, Align-GVGD) all suggest that this variant is likely to be tolerated. ClinVar contains an entry for this variant (Variation ID: 1422540). This variant has not been reported in the literature in individuals affected with SLC9A6-related conditions. This variant is not present in population databases (gnomAD no frequency). This sequence change replaces isoleucine, which is neutral and non-polar, with threonine, which is neutral and polar, at codon 642 of the SLC9A6 protein (p.Ile642Thr).

NM_001379110.1(SLC9A6):c.1955T>C (p.Ile652Thr)

Gene: SLC9A6 (solute carrier family 9 member A6; plus strand). Cytogenetic location: Xq26.3.
Variant type: single nucleotide variant.
Coding change: c.1955T>C on transcript NM_001379110.1 (MANE Select); coding-DNA position 1955, T replaced by C.
Protein change: p.Ile652Thr; replaces isoleucine 652 with threonine.
Molecular consequence: missense variant.
Genome position (GRCh38, 1-based): chrX:136,044,639, T>C. VCF-style: chrX-136044639-T-C. GRCh37 (hg19) VCF-style: chrX-135126798-T-C.
Other names: c.2021T>C, p.Ile674Thr (NM_001042537.2); c.1865T>C, p.Ile622Thr (NM_001177651.2); c.1769T>C, p.Ile590Thr (NM_001330652.2); c.1925T>C, p.Ile642Thr (NM_006359.3); c.1925T>C (NM_006359.2); short protein forms I642T, I652T, I590T, I674T, I622T.
Identifiers: ClinVar variation 1422540 (VCV001422540.7), dbSNP rs2071568073, ClinGen allele CA414757203.
Genomic context (GRCh38, chrX:136,044,639, plus strand): 5'-GAAACAGTTCTGAAGATGCCTTGGATCGGGAGCTTGCATTTGGGGACCATGAACTGGTCA[T>C]TCGAGGAACACGCCTGGTTCTTCCAATGGATGATTCTGAACCCCCGCTAAATTTGTTAGA-3'
Protein context (NP_001366039.1, residues 642-662): ELAFGDHELV[Ile652Thr]RGTRLVLPMD